The following is an entry in ClinVar:

NM_000051.4(ATM):c.4358T>C (p.Ile1453Thr)

Gene: ATM (ATM serine/threonine kinase; plus strand). Cytogenetic location: 11q22.3.
Variant type: single nucleotide variant.
Coding change: c.4358T>C on transcript NM_000051.4 (MANE Select); coding-DNA position 4358, T replaced by C.
Protein change: p.Ile1453Thr; replaces isoleucine 1453 with threonine.
Molecular consequence: missense variant.
Genome position (GRCh38, 1-based): chr11:108,289,723, T>C. VCF-style: chr11-108289723-T-C. GRCh37 (hg19) VCF-style: chr11-108160450-T-C.
Other names: c.4358T>C, p.Ile1453Thr (NM_001351834.2); short protein forms I1453T.
Identifiers: ClinVar variation 422614 (VCV000422614.53), dbSNP rs587782126, ClinGen allele CA16619178.
Genomic context (GRCh38, chr11:108,289,723, plus strand): 5'-ATAAGAAGCACAGAATTCTTAAAATATATCACCTGTTTGTTAGTTTATTACTGAAAGATA[T>C]AAAAAGTGGCTTAGGAGGAGCTTGGGCCTTTGTTCTTCGAGACGTTATTTATACTTTGAT-3'
Protein context (NP_000042.3, residues 1443-1463): HLFVSLLLKD[Ile1453Thr]KSGLGGAWAF

ClinVar aggregate classification (germline): Uncertain significance. Review status: criteria provided, multiple submitters, no conflicts (2 of 4 stars). 8 submissions from 8 submitters: Uncertain significance (7). 1 of the submissions does not count toward it. Last evaluated 2025-12-14.

Conditions:
Hereditary cancer-predisposing syndrome. Also called: Tumor predisposition; Hereditary neoplastic syndrome; Hereditary Cancer Syndrome; Neoplastic Syndromes, Hereditary. Identifiers: Orphanet 140162, MedGen C0027672, MeSH D009386, MONDO:0015356.
Familial cancer of breast. Also called: hereditary breast carcinoma; BREAST CANCER, FAMILIAL; Hereditary breast cancer. Identifiers: Orphanet 227535, MedGen C0346153, MONDO:0016419, OMIM 114480. Disease mechanism: loss of function.
Ataxia-telangiectasia syndrome (AT). Also called: LOUIS-BAR SYNDROME; Ataxia-telangiectasia, complementation group E; Ataxia telangiectasia (A-T); Cerebello-oculocutaneous telangiectasia; Immunodeficiency with ataxia telangiectasia; Ataxia-telangiectasia, complementation group D. Identifiers: Orphanet 100, MedGen C0004135, MONDO:0008840, OMIM 208900.

gnomAD v4.1: 8 of 1,613,798 alleles (0.0005%); highest among the groups gnomAD compares: African/African-American, 0.004%; no homozygotes.

Submissions (8):

Labcorp Genetics (formerly Invitae), Labcorp
Classification: Uncertain significance for Ataxia-telangiectasia syndrome. Last evaluated: 2025-12-14. Review status: criteria provided, single submitter. Criteria: Invitae Variant Classification Sherloc (09022015). Collection method: clinical testing. Allele origin: germline.
Comment: This sequence change replaces isoleucine, which is neutral and non-polar, with threonine, which is neutral and polar, at codon 1453 of the ATM protein (p.Ile1453Thr). This variant is not present in population databases (gnomAD no frequency). This variant has not been reported in the literature in individuals affected with ATM-related conditions. ClinVar contains an entry for this variant (Variation ID: 422614). Invitae Evidence Modeling of protein sequence and biophysical properties (such as structural, functional, and spatial information, amino acid conservation, physicochemical variation, residue mobility, and thermodynamic stability) indicates that this missense variant is not expected to disrupt ATM protein function with a negative predictive value of 95%. In summary, the available evidence is currently insufficient to determine the role of this variant in disease. Therefore, it has been classified as a Variant of Uncertain Significance.

Ambry Genetics
Classification: Uncertain significance for Hereditary cancer-predisposing syndrome. Last evaluated: 2025-07-25. Review status: criteria provided, single submitter. Criteria: Ambry Variant Classification Scheme 2023. Collection method: clinical testing. Allele origin: germline.
Comment: The p.I1453T variant (also known as c.4358T>C), located in coding exon 28 of the ATM gene, results from a T to C substitution at nucleotide position 4358. The isoleucine at codon 1453 is replaced by threonine, an amino acid with similar properties. This amino acid position is well conserved in available vertebrate species. In addition, the in silico prediction for this alteration is inconclusive. Since supporting evidence is limited at this time, the clinical significance of this alteration remains unclear.

GeneDx
Classification: Uncertain significance. Last evaluated: 2024-08-23. Review status: criteria provided, single submitter. Criteria: GeneDx Variant Classification Process June 2021. Collection method: clinical testing. Allele origin: germline. Affected: yes.
Comment: Not observed at significant frequency in large population cohorts (gnomAD); In silico analysis supports that this missense variant has a deleterious effect on protein structure/function; Has not been previously published as pathogenic or benign to our knowledge

KCCC/NGS Laboratory, Kuwait Cancer Control Center
Classification: Uncertain significance for Familial cancer of breast. Last evaluated: 2024-05-02. Review status: criteria provided, single submitter. Criteria: ACMG Guidelines, 2015. Collection method: clinical testing. Allele origin: germline. Inheritance: Autosomal dominant inheritance. Affected: yes. Observed: 1 heterozygote.
Comment: This sequence change replaces isoleucine, which is neutral and non-polar, with threonine, which is neutral and polar, at codon 1453 of the ATM protein (p.Ile1453Thr).his amino acid position is well conserved (PhyloP=7.75) . This variant has not been reported in the literature in individuals affected with ATM-related conditions. This variant is not present in population databases (gnomAD no frequency). ClinVar contains an entry for this variant (Variation ID: 422614). In addition, the in silico prediction for this alteration is inconclusive. In summary, the available evidence is currently insufficient to determine the role of this variant in disease. Therefore, it has been classified as a Variant of Uncertain Significance.

Baylor Genetics
Classification: Uncertain significance for Familial cancer of breast. Last evaluated: 2023-09-08. Review status: criteria provided, single submitter. Criteria: ACMG Guidelines, 2015. Collection method: clinical testing. Allele origin: unknown.

CeGaT Center for Human Genetics Tuebingen
Classification: Uncertain significance. Last evaluated: 2022-01-01. Review status: criteria provided, single submitter. Criteria: CeGaT Center For Human Genetics Tuebingen Variant Classification Criteria Version 2. Collection method: clinical testing. Allele origin: germline. Affected: yes. Observed: 1 variant allele.

Women's Health and Genetics/Laboratory Corporation of America, LabCorp
Classification: Uncertain significance. Last evaluated: 2019-01-15. Review status: criteria provided, single submitter. Criteria: LabCorp Variant Classification Summary - May 2015. Collection method: clinical testing. Allele origin: germline.
Comment: Variant summary: ATM c.4358T>C (p.Ile1453Thr) results in a non-conservative amino acid change in the encoded protein sequence. Three of five in-silico tools predict a damaging effect of the variant on protein function. The variant was absent in 276944 control chromosomes (gnomAD). The available data on variant occurrences in the general population are insufficient to allow any conclusion about variant significance. To our knowledge, no occurrence of c.4358T>C in individuals affected with Breast Cancer and no experimental evidence demonstrating its impact on protein function have been reported. A ClinVar submission from a clinical diagnostic laboratory (evaluation after 2014) cites the variant as uncertain significance. Based on the evidence outlined above, the variant was classified as uncertain significance.

Natera, Inc.
Classification: Uncertain significance for Ataxia-telangiectasia. Last evaluated: 2020-07-23. Review status: no assertion criteria provided. Collection method: clinical testing. Allele origin: germline. Not counted in ClinVar's aggregate classification.